The following is an entry in ClinVar:

NM_001009999.3(KDM1A):c.74C>G (p.Pro25Arg)

Gene: KDM1A (lysine demethylase 1A; plus strand). Cytogenetic location: 1p36.12.
Variant type: single nucleotide variant.
Coding change: c.74C>G on transcript NM_001009999.3 (MANE Select); coding-DNA position 74, C replaced by G.
Protein change: p.Pro25Arg; replaces proline 25 with arginine.
Molecular consequence: missense variant.
Genome position (GRCh38, 1-based): chr1:23,019,670, C>G. VCF-style: chr1-23019670-C-G. GRCh37 (hg19) VCF-style: chr1-23346163-C-G.
Other names: c.74C>G, p.Pro25Arg (NM_001363654.2, NM_001410762.1, NM_001410763.1 and 1 more transcripts); short protein forms P25R.
Identifiers: ClinVar variation 4622675 (VCV004622675.1).
Genomic context (GRCh38, chr1:23,019,670, plus strand): 5'-AGAAGGCGGCAGCCGCGGCGGCGGCGGCTGCAGCGGCAGCAACCGGGACGGAGGCTGGCC[C>G]TGGGACAGCAGGCGGCTCCGAGAACGGGTCTGAGGTGGCCGCGCAGCCCGCGGGCCTGTC-3'
Protein context (NP_001009999.1, residues 15-35): AAAATGTEAG[Pro25Arg]GTAGGSENGS

ClinVar aggregate classification (germline): Uncertain significance (1 of 4 stars; one submission).

Conditions:
Inborn genetic diseases. Identifiers: MedGen C0950123, MeSH D030342.

gnomAD v4.1: 1 of 1,378,352 alleles (0.000073%); highest among the groups gnomAD compares: Non-Finnish European, 0.000093%; no homozygotes.

Submission:

Ambry Genetics
Classification: Uncertain significance for Inborn genetic diseases. Last evaluated: 2025-10-12. Review status: criteria provided, single submitter. Criteria: Ambry Variant Classification Scheme 2023. Collection method: clinical testing. Allele origin: germline.
Comment: The p.P25R variant (also known as c.74C>G), located in coding exon 1 of the KDM1A gene, results from a C to G substitution at nucleotide position 74. The proline at codon 25 is replaced by arginine, an amino acid with dissimilar properties. This amino acid position is conserved. In addition, this alteration is predicted to be tolerated by in silico analysis. Based on the available evidence, the clinical significance of this variant remains unclear.